The following is an entry in ClinVar:

ClinVar aggregate classification (germline): Uncertain significance (1 of 4 stars; one submission).

Submission:

Labcorp Genetics (formerly Invitae), Labcorp
Classification: Uncertain significance. Last evaluated: 2023-11-20. Review status: criteria provided, single submitter. Criteria: Invitae Variant Classification Sherloc (09022015). Collection method: clinical testing. Allele origin: germline.
Comment: This sequence change replaces threonine, which is neutral and polar, with serine, which is neutral and polar, at codon 85 of the PLVAP protein (p.Thr85Ser). This variant is not present in population databases (gnomAD no frequency). This variant has not been reported in the literature in individuals affected with PLVAP-related conditions. Advanced modeling of protein sequence and biophysical properties (such as structural, functional, and spatial information, amino acid conservation, physicochemical variation, residue mobility, and thermodynamic stability) performed at Invitae indicates that this missense variant is not expected to disrupt PLVAP protein function with a negative predictive value of 80%. In summary, the available evidence is currently insufficient to determine the role of this variant in disease. Therefore, it has been classified as a Variant of Uncertain Significance.

NM_031310.3(PLVAP):c.254C>G (p.Thr85Ser)

Gene: PLVAP (plasmalemma vesicle associated protein; minus strand). Cytogenetic location: 19p13.11.
Variant type: single nucleotide variant.
Coding change: c.254C>G on transcript NM_031310.3 (MANE Select); coding-DNA position 254, C replaced by G.
Protein change: p.Thr85Ser; replaces threonine 85 with serine.
Molecular consequence: missense variant.
Genome position (GRCh38, 1-based): chr19:17,377,035, G>C on the plus strand (C>G on the coding strand, the complement: PLVAP is on the minus strand). VCF-style: chr19-17377035-G-C. GRCh37 (hg19) VCF-style: chr19-17487844-G-C.
Other names: short protein forms T85S.
Identifiers: ClinVar variation 2791011 (VCV002791011.2), dbSNP rs2513238775, ClinGen allele CA404684776.